The following is an entry in ClinVar:

ClinVar aggregate classification (germline): Uncertain significance (1 of 4 stars; one submission).

gnomAD v4.1: 2 of 1,614,100 alleles (0.00012%); highest among the groups gnomAD compares: Non-Finnish European, 0.00017%; no homozygotes.

Submission:

Women's Health and Genetics/Laboratory Corporation of America, LabCorp
Classification: Uncertain significance. Last evaluated: 2024-06-20. Review status: criteria provided, single submitter. Criteria: LabCorp Variant Classification Summary - May 2015. Collection method: clinical testing. Allele origin: germline.
Comment: Variant summary: EVC c.454C>G (p.Pro152Ala) results in a non-conservative amino acid change in the encoded protein sequence. Four of five in-silico tools predict a benign effect of the variant on protein function. The variant was absent in 251256 control chromosomes. The available data on variant occurrences in the general population are insufficient to allow any conclusion about variant significance. To our knowledge, no occurrence of c.454C>G in individuals affected with Ellis-van Creveld syndrome and no experimental evidence demonstrating its impact on protein function have been reported. No submitters have cited clinical-significance assessments for this variant to ClinVar. Based on the evidence outlined above, the variant was classified as uncertain significance.

NM_153717.3(EVC):c.454C>G (p.Pro152Ala)

Gene: EVC (EvC ciliary complex subunit 1; plus strand). Cytogenetic location: 4p16.2.
Variant type: single nucleotide variant.
Coding change: c.454C>G on transcript NM_153717.3 (MANE Select); coding-DNA position 454, C replaced by G.
Protein change: p.Pro152Ala; replaces proline 152 with alanine.
Molecular consequence: missense variant.
Genome position (GRCh38, 1-based): chr4:5,731,494, C>G. VCF-style: chr4-5731494-C-G. GRCh37 (hg19) VCF-style: chr4-5733221-C-G.
Other names: c.454C>G, p.Pro152Ala (NM_001306090.2, NM_001306092.2); short protein forms P152A.
Identifiers: ClinVar variation 3339941 (VCV003339941.1).
Genomic context (GRCh38, chr4:5,731,494, plus strand): 5'-GATGGCTCCTCCAACCCGTCTCTGCATGAAAACTTAAAGCAGGCTGTTTTGCCACACCAG[C>G]CGGTAGAGGCCTCTCCTTCCAGCAGTCTGGGGAGCCTGAGCCAGGGTGAGAAGGACGACT-3'
Protein context (NP_714928.1, residues 142-162): NLKQAVLPHQ[Pro152Ala]VEASPSSSLG